The following is an entry in ClinVar:

NM_004836.7(EIF2AK3):c.112G>A (p.Ala38Thr)

Gene: EIF2AK3 (eukaryotic translation initiation factor 2 alpha kinase 3; minus strand). Cytogenetic location: 2p11.2.
Variant type: single nucleotide variant.
Coding change: c.112G>A on transcript NM_004836.7 (MANE Select); coding-DNA position 112, G replaced by A.
Protein change: p.Ala38Thr; replaces alanine 38 with threonine.
Molecular consequence: missense variant.
Genome position (GRCh38, 1-based): chr2:88,627,163, C>T on the plus strand (G>A on the coding strand, the complement: EIF2AK3 is on the minus strand). VCF-style: chr2-88627163-C-T. GRCh37 (hg19) VCF-style: chr2-88926681-C-T.
Other names: c.112G>A (NM_004836.5); short protein forms A38T.
Identifiers: ClinVar variation 284272 (VCV000284272.21), dbSNP rs886042833, ClinGen allele CA10604741.

ClinVar aggregate classification (germline): Conflicting classifications of pathogenicity. Review status: criteria provided, conflicting classifications (1 of 4 stars). 5 submissions from 5 submitters: Uncertain significance (2); Likely benign (2). 1 of the submissions does not count toward it. Last evaluated 2026-01-13.

Conditions:
EIF2AK3-related disorder. Also called: EIF2AK3-related condition.
Inborn genetic diseases. Identifiers: MedGen C0950123, MeSH D030342.

Allele frequency attached by ClinVar (database versions not stated): gnomAD exomes 0.00006 and 0.00009; 1000 Genomes Project 30x 0.00016; TOPMed 0.00079; gnomAD 0.00085 and 0.00094.

Submissions (5):

Labcorp Genetics (formerly Invitae), Labcorp
Classification: Likely benign. Last evaluated: 2026-01-13. Review status: criteria provided, single submitter. Criteria: Invitae Variant Classification Sherloc (09022015). Collection method: clinical testing. Allele origin: germline.

Ambry Genetics
Classification: Likely benign for Inborn genetic diseases. Last evaluated: 2024-01-08. Review status: criteria provided, single submitter. Criteria: Ambry Variant Classification Scheme 2023. Collection method: clinical testing. Allele origin: germline.

Genetic Services Laboratory, University of Chicago
Classification: Uncertain significance. Last evaluated: 2018-12-11. Review status: criteria provided, single submitter. Criteria: ACMG Guidelines, 2015. Collection method: clinical testing. Allele origin: germline. Affected: no.

Eurofins Ntd Llc (ga)
Classification: Uncertain significance. Last evaluated: 2015-11-09. Review status: criteria provided, single submitter. Criteria: EGL Classification Definitions 2015. Collection method: clinical testing. Allele origin: germline. Observed: 1 variant allele, 1 heterozygote.

PreventionGenetics, part of Exact Sciences
Classification: Likely benign for EIF2AK3-related condition. Last evaluated: 2022-10-14. Review status: no assertion criteria provided. Collection method: clinical testing. Allele origin: germline. Not counted in ClinVar's aggregate classification.
Comment: This variant is classified as likely benign based on ACMG/AMP sequence variant interpretation guidelines (Richards et al. 2015 PMID: 25741868, with internal and published modifications).